The following is an entry in ClinVar:

ClinVar aggregate classification (germline): Uncertain significance (1 of 4 stars; one submission).

Conditions:
Cardiovascular phenotype. Identifiers: MedGen CN230736.

Submission:

Ambry Genetics
Classification: Uncertain significance for Cardiovascular phenotype. Last evaluated: 2026-06-14. Review status: criteria provided, single submitter. Criteria: Ambry Variant Classification Scheme 2023. Collection method: clinical testing. Allele origin: germline.
Comment: The p.P52L variant (also known as c.155C>T), located in coding exon 1 of the CRYAB gene, results from a C to T substitution at nucleotide position 155. The proline at codon 52 is replaced by leucine, an amino acid with similar properties. This amino acid position is conserved. In addition, the in silico prediction for this alteration is inconclusive. Based on the available evidence, the clinical significance of this variant remains unclear.

NM_001289808.2(CRYAB):c.155C>T (p.Pro52Leu)

Gene: CRYAB (crystallin alpha B; minus strand). Cytogenetic location: 11q23.1.
Variant type: single nucleotide variant.
Coding change: c.155C>T on transcript NM_001289808.2 (MANE Select); coding-DNA position 155, C replaced by T.
Protein change: p.Pro52Leu; replaces proline 52 with leucine.
Molecular consequence: missense variant.
Genome position (GRCh38, 1-based): chr11:111,911,570, G>A on the plus strand (C>T on the coding strand, the complement: CRYAB is on the minus strand). VCF-style: chr11-111911570-G-A. GRCh37 (hg19) VCF-style: chr11-111782294-G-A.
Other names: c.155C>T, p.Pro52Leu (NM_001289807.1, NM_001368245.1, NM_001885.3); short protein forms P52L.
Identifiers: ClinVar variation 4869432 (VCV004869432.1).